The following is an entry in ClinVar:

NM_001267550.2(TTN):c.102923C>T (p.Thr34308Ile)

Genes: TTN-AS1 (TTN antisense RNA 1; plus strand), TTN (titin; minus strand). Cytogenetic location: 2q31.2.
Variant type: single nucleotide variant.
Coding change: c.102923C>T on transcript NM_001267550.2 (MANE Select); coding-DNA position 102923, C replaced by T.
Protein change: p.Thr34308Ile; replaces threonine 34308 with isoleucine.
Molecular consequence: missense variant.
Genome position (GRCh38, 1-based): chr2:178,533,692, G>A on the plus strand (C>T on the coding strand, the complement: TTN is on the minus strand). VCF-style: chr2-178533692-G-A. GRCh37 (hg19) VCF-style: chr2-179398419-G-A.
Other names: c.98000C>T, p.Thr32667Ile (NM_001256850.1); c.75728C>T, p.Thr25243Ile (NM_003319.4); c.95219C>T, p.Thr31740Ile (NM_133378.4); c.76103C>T, p.Thr25368Ile (NM_133432.3); c.76304C>T, p.Thr25435Ile (NM_133437.4); short protein forms T25435I, T34308I, T25243I, T32667I, T25368I, T31740I.
Identifiers: ClinVar variation 4788019 (VCV004788019.1).

ClinVar aggregate classification (germline): Uncertain significance (1 of 4 stars; one submission).

Conditions:
Autosomal recessive limb-girdle muscular dystrophy type 2J (LGMDR10). Also called: Limb-girdle muscular dystrophy, type 2J; MUSCULAR DYSTROPHY, LIMB-GIRDLE, AUTOSOMAL RECESSIVE 10. Identifiers: Orphanet 140922, MedGen C1837342, MONDO:0012127, OMIM 608807.
Dilated cardiomyopathy 1G (CMD1G). Identifiers: Orphanet 154, MedGen C1858763, MONDO:0011400, OMIM 604145.

gnomAD v4.1: 3 of 1,613,924 alleles (0.00019%); highest among the groups gnomAD compares: East Asian, 0.0067%; no homozygotes.

Submission:

Labcorp Genetics (formerly Invitae), Labcorp
Classification: Uncertain significance for Dilated cardiomyopathy 1G; Autosomal recessive limb-girdle muscular dystrophy type 2J. Last evaluated: 2025-02-10. Review status: criteria provided, single submitter. Criteria: Invitae Variant Classification Sherloc (09022015). Collection method: clinical testing. Allele origin: germline.
Comment: This sequence change replaces threonine, which is neutral and polar, with isoleucine, which is neutral and non-polar, at codon 34308 of the TTN protein (p.Thr34308Ile). This variant is present in population databases (rs528711725, gnomAD 0.02%). This variant has not been reported in the literature in individuals affected with TTN-related conditions. An algorithm developed to predict the effect of missense changes on protein structure and function outputs the following: PolyPhen-2: "Not Available". The isoleucine amino acid residue is found in multiple mammalian species, which suggests that this missense change does not adversely affect protein function. This variant is located in the M band of TTN (PMID: 25589632). Non-truncating variants in this region may be relevant for neuromuscular disorders, but have not been definitively shown to cause cardiomyopathy (PMID: 23975875). In summary, the available evidence is currently insufficient to determine the role of this variant in disease. Therefore, it has been classified as a Variant of Uncertain Significance.

Literature cited by the submitters: PubMed 25589632; PubMed 23975875.